The following is an entry in ClinVar:

NM_001136472.2(LITAF):c.5C>T (p.Ser2Leu)

Gene: LITAF (lipopolysaccharide induced TNF factor; minus strand). Cytogenetic location: 16p13.13.
Variant type: single nucleotide variant.
Coding change: c.5C>T on transcript NM_001136472.2 (MANE Select); coding-DNA position 5, C replaced by T.
Protein change: p.Ser2Leu; replaces serine 2 with leucine.
Molecular consequence: missense variant. On other transcripts: non-coding transcript variant (1).
Genome position (GRCh38, 1-based): chr16:11,556,726, G>A on the plus strand (C>T on the coding strand, the complement: LITAF is on the minus strand). VCF-style: chr16-11556726-G-A. GRCh37 (hg19) VCF-style: chr16-11650582-G-A.
Other names: c.5C>T, p.Ser2Leu (NM_001136473.1, NM_004862.4); short protein forms S2L.
Identifiers: ClinVar variation 2141094 (VCV002141094.14), dbSNP rs760802727, ClinGen allele CA7904204.

ClinVar aggregate classification (germline): Uncertain significance. Review status: criteria provided, multiple submitters, no conflicts (2 of 4 stars). 2 submissions from 2 submitters: Uncertain significance (2). Last evaluated 2025-05-01.

Conditions:
Charcot-Marie-Tooth disease type 1C. Also called: CHARCOT-MARIE-TOOTH DISEASE, DEMYELINATING, TYPE 1C; CHARCOT-MARIE-TOOTH NEUROPATHY, TYPE 1C; NEUROPATHY, HEREDITARY MOTOR AND SENSORY, TYPE IC; CMT, SLOW NERVE CONDUCTION TYPE C; HMSN IC; Charcot-Marie-Tooth disease, type IC. Identifiers: Orphanet 101083, MedGen C0270913, MONDO:0010995, OMIM 601098.

Allele frequency attached by ClinVar (database versions not stated): ExAC 0.00001; gnomAD 0.00001.
gnomAD v4.1: 11 of 1,613,616 alleles (0.00068%); highest among the groups gnomAD compares: East Asian, 0.0022%; no homozygotes.

Submissions (2):

CeGaT Center for Human Genetics Tuebingen
Classification: Uncertain significance. Last evaluated: 2025-05-01. Review status: criteria provided, single submitter. Criteria: CeGaT Center For Human Genetics Tuebingen Variant Classification Criteria Version 2. Collection method: clinical testing. Allele origin: germline. Affected: yes. Observed: 1 variant allele.

Labcorp Genetics (formerly Invitae), Labcorp
Classification: Uncertain significance for Charcot-Marie-Tooth disease type 1C. Last evaluated: 2023-04-11. Review status: criteria provided, single submitter. Criteria: Invitae Variant Classification Sherloc (09022015). Collection method: clinical testing. Allele origin: germline.
Comment: This sequence change replaces serine, which is neutral and polar, with leucine, which is neutral and non-polar, at codon 2 of the LITAF protein (p.Ser2Leu). This variant is present in population databases (rs760802727, gnomAD 0.002%). This variant has not been reported in the literature in individuals affected with LITAF-related conditions. ClinVar contains an entry for this variant (Variation ID: 2141094). An algorithm developed to predict the effect of missense changes on protein structure and function (PolyPhen-2) suggests that this variant is likely to be tolerated. In summary, the available evidence is currently insufficient to determine the role of this variant in disease. Therefore, it has been classified as a Variant of Uncertain Significance.